The following is an entry in ClinVar:

NM_001364171.2(ODAD1):c.556G>A (p.Asp186Asn)

Gene: ODAD1 (outer dynein arm docking complex subunit 1; minus strand). Cytogenetic location: 19q13.33.
Variant type: single nucleotide variant.
Coding change: c.556G>A on transcript NM_001364171.2 (MANE Select); coding-DNA position 556, G replaced by A.
Protein change: p.Asp186Asn; replaces aspartic acid 186 with asparagine.
Molecular consequence: missense variant.
Genome position (GRCh38, 1-based): chr19:48,311,594, C>T on the plus strand (G>A on the coding strand, the complement: ODAD1 is on the minus strand). VCF-style: chr19-48311594-C-T. GRCh37 (hg19) VCF-style: chr19-48814851-C-T.
Other names: c.445G>A, p.Asp149Asn (NM_144577.4); c.445G>A (NM_144577.3); short protein forms D149N, D186N.
Identifiers: ClinVar variation 1682888 (VCV001682888.8), dbSNP rs372015636, ClinGen allele CA406663598.
Genomic context (GRCh38, chr19:48,311,594, plus strand): 5'-GGATTTCAGGGCCACTGACCTTCTTCAGCTTGCGGTCCACGTTCAGATAGCGGTTCCTGT[C>T]GATCCGCAGCAGATCCAGCTCCTCCCGCAGGGCCGCATTCCGTACCAGCTGGTTGTCAAA-3'
Protein context (NP_001351100.1, residues 176-196): LREELDLLRI[Asp186Asn]RNRYLNVDRK

ClinVar aggregate classification (germline): Uncertain significance. Review status: criteria provided, multiple submitters, no conflicts (2 of 4 stars). 2 submissions from 2 submitters: Uncertain significance (2). Last evaluated 2025-08-09.

Conditions:
Primary ciliary dyskinesia. Also called: Ciliary dyskinesia. Identifiers: Orphanet 244, MedGen C0008780, MONDO:0016575, HP:0012265.

gnomAD v4.1: 16 of 1,550,878 alleles (0.001%); highest among the groups gnomAD compares: Middle Eastern, 0.033%; no homozygotes.

Submissions (2):

Ambry Genetics
Classification: Uncertain significance for Primary ciliary dyskinesia. Last evaluated: 2025-08-09. Review status: criteria provided, single submitter. Criteria: Ambry Variant Classification Scheme 2023. Collection method: clinical testing. Allele origin: germline.
Comment: The p.D149N variant (also known as c.445G>A), located in coding exon 4 of the CCDC114 gene, results from a G to A substitution at nucleotide position 445. The aspartic acid at codon 149 is replaced by asparagine, an amino acid with highly similar properties. This amino acid position is conserved. In addition, this alteration is predicted to be tolerated by in silico analysis. Based on the available evidence, the clinical significance of this variant remains unclear.

Labcorp Genetics (formerly Invitae), Labcorp
Classification: Uncertain significance for Primary ciliary dyskinesia. Last evaluated: 2021-09-01. Review status: criteria provided, single submitter. Criteria: Invitae Variant Classification Sherloc (09022015). Collection method: clinical testing. Allele origin: germline.
Comment: In summary, the available evidence is currently insufficient to determine the role of this variant in disease. Therefore, it has been classified as a Variant of Uncertain Significance. Algorithms developed to predict the effect of missense changes on protein structure and function (SIFT, PolyPhen-2, Align-GVGD) all suggest that this variant is likely to be tolerated. This variant has not been reported in the literature in individuals affected with CCDC114-related conditions. This variant is not present in population databases (ExAC no frequency). This sequence change replaces aspartic acid with asparagine at codon 149 of the CCDC114 protein (p.Asp149Asn). The aspartic acid residue is weakly conserved and there is a small physicochemical difference between aspartic acid and asparagine.